The following is an entry in ClinVar:

ClinVar aggregate classification (germline): Uncertain significance (1 of 4 stars; one submission).

gnomAD v4.1: 16 of 1,211,379 alleles (0.0013%); highest among the groups gnomAD compares: Non-Finnish European, 0.0017%; no homozygotes.

Submission:

Labcorp Genetics (formerly Invitae), Labcorp
Classification: Uncertain significance. Last evaluated: 2025-01-21. Review status: criteria provided, single submitter. Criteria: Invitae Variant Classification Sherloc (09022015). Collection method: clinical testing. Allele origin: germline.
Comment: This sequence change replaces aspartic acid, which is acidic and polar, with tyrosine, which is neutral and polar, at codon 159 of the COL4A6 protein (p.Asp159Tyr). This variant is present in population databases (no rsID available, gnomAD 0.001%). This variant has not been reported in the literature in individuals affected with COL4A6-related conditions. Invitae Evidence Modeling of protein sequence and biophysical properties (such as structural, functional, and spatial information, amino acid conservation, physicochemical variation, residue mobility, and thermodynamic stability) indicates that this missense variant is not expected to disrupt COL4A6 protein function with a negative predictive value of 80%. In summary, the available evidence is currently insufficient to determine the role of this variant in disease. Therefore, it has been classified as a Variant of Uncertain Significance.

NM_033641.4(COL4A6):c.472G>T (p.Asp158Tyr)

Gene: COL4A6 (collagen type IV alpha 6 chain; minus strand). Cytogenetic location: Xq22.3.
Variant type: single nucleotide variant.
Coding change: c.472G>T on transcript NM_033641.4 (MANE Select); coding-DNA position 472, G replaced by T.
Protein change: p.Asp158Tyr; replaces aspartic acid 158 with tyrosine.
Molecular consequence: missense variant.
Genome position (GRCh38, 1-based): chrX:108,211,710, C>A on the plus strand (G>T on the coding strand, the complement: COL4A6 is on the minus strand). VCF-style: chrX-108211710-C-A. GRCh37 (hg19) VCF-style: chrX-107454940-C-A.
Other names: c.472G>T, p.Asp158Tyr (NM_001287758.2, NM_001287759.2, NM_001287760.2); c.475G>T, p.Asp159Tyr (NM_001847.4); short protein forms D159Y, D158Y.
Identifiers: ClinVar variation 3665601 (VCV003665601.2).